The following is an entry in ClinVar:

NM_001159699.2(FHL1):c.55G>T (p.Glu19Ter)

Gene: FHL1 (four and a half LIM domains 1; plus strand). Cytogenetic location: Xq26.3.
Variant type: single nucleotide variant.
Coding change: c.55G>T on transcript NM_001159699.2 (MANE Select); coding-DNA position 55, G replaced by T.
Protein change: p.Glu19Ter; replaces glutamic acid 19 with a stop codon.
Molecular consequence: nonsense. On other transcripts: non-coding transcript variant (1).
Genome position (GRCh38, 1-based): chrX:136,206,439, G>T. VCF-style: chrX-136206439-G-T. GRCh37 (hg19) VCF-style: chrX-135288598-G-T.
Other names: c.7G>T, p.Glu3Ter (NM_001159700.2, NM_001159702.3, NM_001159703.2 and 9 more transcripts); c.94G>T, p.Glu32Ter (NM_001159701.2); c.55G>T, p.Glu19Ter (NM_001330659.2); short protein forms E32*, E3*, E19*.
Identifiers: ClinVar variation 1359487 (VCV001359487.6), dbSNP rs2148371451, ClinGen allele CA414607335.

ClinVar aggregate classification (germline): Pathogenic (1 of 4 stars; one submission).

Conditions:
X-linked myopathy with postural muscle atrophy. Also called: FHL1-Related Emery-Dreifuss Muscular Dystrophy, X-Linked. Identifiers: Orphanet 178461, MedGen C2678055, MONDO:0010401, OMIM 300696.

Submission:

Labcorp Genetics (formerly Invitae), Labcorp
Classification: Pathogenic for X-linked myopathy with postural muscle atrophy. Last evaluated: 2022-07-19. Review status: criteria provided, single submitter. Criteria: Invitae Variant Classification Sherloc (09022015). Collection method: clinical testing. Allele origin: germline.
Comment: For these reasons, this variant has been classified as Pathogenic. ClinVar contains an entry for this variant (Variation ID: 1359487). This variant has not been reported in the literature in individuals affected with FHL1-related conditions. This variant is not present in population databases (gnomAD no frequency). This sequence change creates a premature translational stop signal (p.Glu3*) in the FHL1 gene. It is expected to result in an absent or disrupted protein product. Loss-of-function variants in FHL1 are known to be pathogenic (PMID: 18179888, 19687455, 19716112, 22523091, 24114807).

Literature cited by the submitters: PubMed 18179888; PubMed 19687455; PubMed 19716112; PubMed 22523091; PubMed 24114807.